The following is an entry in ClinVar:

NM_000276.4(OCRL):c.1467-3C>T

Gene: OCRL (OCRL inositol polyphosphate-5-phosphatase; plus strand). Cytogenetic location: Xq26.1.
Variant type: single nucleotide variant.
Coding change: c.1467-3C>T on transcript NM_000276.4 (MANE Select); 3 bases into the intron before coding-DNA position 1467, C replaced by T.
Molecular consequence: intron variant.
Genome position (GRCh38, 1-based): chrX:129,569,261, C>T. VCF-style: chrX-129569261-C-T. GRCh37 (hg19) VCF-style: chrX-128703238-C-T.
Other names: c.1470-3C>T (NM_001318784.2); c.1467-3C>T (NM_001587.4).
Identifiers: ClinVar variation 3044607 (VCV003044607.2), dbSNP rs779822028, ClinGen allele CA644431072.

ClinVar aggregate classification (germline): Likely benign (0 of 4 stars; one submission).

Conditions:
OCRL-related disorder. Also called: OCRL-related condition.

Submission:

PreventionGenetics, part of Exact Sciences
Classification: Likely benign for OCRL-related condition. Last evaluated: 2023-07-19. Review status: no assertion criteria provided. Collection method: clinical testing. Allele origin: germline.
Comment: This variant is classified as likely benign based on ACMG/AMP sequence variant interpretation guidelines (Richards et al. 2015 PMID: 25741868, with internal and published modifications).